The following is an entry in ClinVar:

NM_006767.4(LZTR1):c.1076A>G (p.Lys359Arg)

Gene: LZTR1 (leucine zipper like post translational regulator 1; plus strand). Cytogenetic location: 22q11.21.
Variant type: single nucleotide variant.
Coding change: c.1076A>G on transcript NM_006767.4 (MANE Select); coding-DNA position 1076, A replaced by G.
Protein change: p.Lys359Arg; replaces lysine 359 with arginine.
Molecular consequence: missense variant.
Genome position (GRCh38, 1-based): chr22:20,992,296, A>G. VCF-style: chr22-20992296-A-G. GRCh37 (hg19) VCF-style: chr22-21346585-A-G.
Other names: short protein forms K359R.
Identifiers: ClinVar variation 3238013 (VCV003238013.3), dbSNP rs1265269028.

ClinVar aggregate classification (germline): Uncertain significance. Review status: criteria provided, multiple submitters, no conflicts (2 of 4 stars). 2 submissions from 2 submitters: Uncertain significance (2). Last evaluated 2025-12-08.

Conditions:
Hereditary cancer-predisposing syndrome. Also called: Neoplastic Syndromes, Hereditary; Tumor predisposition; Hereditary neoplastic syndrome; Hereditary Cancer Syndrome. Identifiers: Orphanet 140162, MedGen C0027672, MeSH D009386, MONDO:0015356.
Cardiovascular phenotype. Identifiers: MedGen CN230736.

Allele frequency attached by ClinVar (database versions not stated): TOPMed 0.00001.

Submissions (2):

Labcorp Genetics (formerly Invitae), Labcorp
Classification: Uncertain significance. Last evaluated: 2025-12-08. Review status: criteria provided, single submitter. Criteria: Invitae Variant Classification Sherloc (09022015). Collection method: clinical testing. Allele origin: germline.
Comment: This sequence change replaces lysine, which is basic and polar, with arginine, which is basic and polar, at codon 359 of the LZTR1 protein (p.Lys359Arg). This variant is not present in population databases (gnomAD no frequency). This variant has not been reported in the literature in individuals affected with LZTR1-related conditions. ClinVar contains an entry for this variant (Variation ID: 3238013). Invitae Evidence Modeling of protein sequence and biophysical properties (such as structural, functional, and spatial information, amino acid conservation, physicochemical variation, residue mobility, and thermodynamic stability) indicates that this missense variant is not expected to disrupt LZTR1 protein function with a negative predictive value of 80%. In summary, the available evidence is currently insufficient to determine the role of this variant in disease. Therefore, it has been classified as a Variant of Uncertain Significance.

Ambry Genetics
Classification: Uncertain significance for Cardiovascular phenotype; Hereditary cancer-predisposing syndrome. Last evaluated: 2023-04-09. Review status: criteria provided, single submitter. Criteria: Ambry Variant Classification Scheme 2023. Collection method: clinical testing. Allele origin: germline.
Comment: The p.K359R variant (also known as c.1076A>G), located in coding exon 10 of the LZTR1 gene, results from an A to G substitution at nucleotide position 1076. The lysine at codon 359 is replaced by arginine, an amino acid with highly similar properties. This amino acid position is conserved. In addition, this alteration is predicted to be tolerated by in silico analysis. Since supporting evidence is limited at this time, the clinical significance of this alteration remains unclear.